The following is an entry in ClinVar:

ClinVar aggregate classification (germline): Likely pathogenic (1 of 4 stars; one submission).

Conditions:
Autosomal recessive spinocerebellar ataxia 17. Identifiers: Orphanet 453521, MedGen C4015301, MONDO:0014503, OMIM 616127.

gnomAD v4.1: 5 of 1,613,940 alleles (0.00031%); highest among the groups gnomAD compares: East Asian, 0.011%; no homozygotes.

Submission:

3billion
Classification: Likely pathogenic for Autosomal recessive spinocerebellar ataxia 17. Last evaluated: 2025-11-19. Review status: criteria provided, single submitter. Criteria: ACMG Guidelines, 2015. Collection method: clinical testing. Allele origin: germline. Affected: yes.
Comment: The variant is observed at an extremely low frequency in the gnomAD v4.1.0 dataset (total allele frequency: <0.001%). Predicted Consequence/Location: Stop-gained (nonsense): predicted to result in a loss or disruption of normal protein function through nonsense-mediated decay (NMD) or protein truncation. Multiple pathogenic variants are reported downstream of the variant. In silico tool prediction suggests damaging effect of the variant on gene or gene product [3Cnet: 1.00 (damaging >0.75, benign <0.1)]. Therefore, this variant is classified as Likely pathogenic according to the recommendation of ACMG/AMP guideline.

NM_018294.6(CWF19L1):c.576C>A (p.Tyr192Ter)

Gene: CWF19L1 (CWF19 like cell cycle control factor 1; minus strand). Cytogenetic location: 10q24.31.
Variant type: single nucleotide variant.
Coding change: c.576C>A on transcript NM_018294.6 (MANE Select); coding-DNA position 576, C replaced by A.
Protein change: p.Tyr192Ter; replaces tyrosine 192 with a stop codon.
Molecular consequence: nonsense. On other transcripts: 5 prime UTR variant (1).
Genome position (GRCh38, 1-based): chr10:100,253,468, G>T on the plus strand (C>A on the coding strand, the complement: CWF19L1 is on the minus strand). VCF-style: chr10-100253468-G-T. GRCh37 (hg19) VCF-style: chr10-102013225-G-T.
Other names: c.576C>A, p.Tyr192Ter (NM_001303404.2); c.165C>A, p.Tyr55Ter (NM_001303405.2, NM_001303406.2); c.-160C>A (NM_001303407.2); short protein forms Y192*, Y55*.
Identifiers: ClinVar variation 4854436 (VCV004854436.1).